The following is an entry in ClinVar:

NM_020320.5(RARS2):c.944G>A (p.Arg315Gln)

Gene: RARS2 (arginyl-tRNA synthetase 2, mitochondrial; minus strand). Cytogenetic location: 6q15.
Variant type: single nucleotide variant.
Coding change: c.944G>A on transcript NM_020320.5 (MANE Select); coding-DNA position 944, G replaced by A.
Protein change: p.Arg315Gln; replaces arginine 315 with glutamine.
Molecular consequence: missense variant. On other transcripts: non-coding transcript variant (23).
Genome position (GRCh38, 1-based): chr6:87,524,587, C>T on the plus strand (G>A on the coding strand, the complement: RARS2 is on the minus strand). VCF-style: chr6-87524587-C-T. GRCh37 (hg19) VCF-style: chr6-88234305-C-T.
Other names: c.419G>A, p.Arg140Gln (NM_001318785.2, NM_001350506.2, NM_001350507.2 and 4 more transcripts); c.944G>A, p.Arg315Gln (NM_001350505.2); c.944G>A (NM_020320.4); short protein forms R140Q, R315Q.
Identifiers: ClinVar variation 3594174 (VCV003594174.6).

ClinVar aggregate classification (germline): Likely pathogenic. Review status: criteria provided, multiple submitters, no conflicts (2 of 4 stars). 4 submissions from 4 submitters: Likely pathogenic (4). Last evaluated 2025-11-03.

Conditions:
Pontocerebellar hypoplasia type 6 (PCH6). Identifiers: Orphanet 166073, MedGen C1969084, MONDO:0012683, OMIM 611523.

gnomAD v4.1: 22 of 1,613,136 alleles (0.0014%); highest among the groups gnomAD compares: African/African-American, 0.0027%; no homozygotes.

Submissions (4):

Natera, Inc.
Classification: Likely pathogenic for Pontocerebellar hypoplasia, type 6. Last evaluated: 2025-11-03. Review status: criteria provided, single submitter. Criteria: Natera Variant Classification Schema (03/2026). Collection method: clinical testing. Allele origin: germline.
Comment: The c.944G>A variant in RARS2 is a missense variant predicted to cause substitution of arginine to glutamine at amino acid 315. This variant is rare in the general population with a frequency below the threshold expected for the associated phenotype(s). This variant has been observed in one or more individuals affected with the associated recessive disease, as either homozygous or compound heterozygous with a second variant (PMID: 35231114). This variant has been identified in one or more affected individual with a phenotype highly consistent with the associated gene (PMID: 35231114). Computational prediction algorithms indicate this variant is likely to affect gene or protein function. Given the available evidence, this variant is classified as Likely Pathogenic.

Labcorp Genetics (formerly Invitae), Labcorp
Classification: Likely pathogenic. Last evaluated: 2025-02-17. Review status: criteria provided, single submitter. Criteria: Invitae Variant Classification Sherloc (09022015). Collection method: clinical testing. Allele origin: germline.
Comment: This sequence change replaces arginine, which is basic and polar, with glutamine, which is neutral and polar, at codon 315 of the RARS2 protein (p.Arg315Gln). This variant is present in population databases (rs762613731, gnomAD 0.004%). This missense change has been observed in individual(s) with clinical features of RARS2-related conditions (PMID: 35231114). In at least one individual the data is consistent with being in trans (on the opposite chromosome) from a pathogenic variant. ClinVar contains an entry for this variant (Variation ID: 3594174). Invitae Evidence Modeling of protein sequence and biophysical properties (such as structural, functional, and spatial information, amino acid conservation, physicochemical variation, residue mobility, and thermodynamic stability) indicates that this missense variant is expected to disrupt RARS2 protein function with a positive predictive value of 95%. Algorithms developed to predict the effect of sequence changes on RNA splicing suggest that this variant may disrupt the consensus splice site. In summary, the currently available evidence indicates that the variant is pathogenic, but additional data are needed to prove that conclusively. Therefore, this variant has been classified as Likely Pathogenic.

Fulgent Genetics
Classification: Likely pathogenic for Pontocerebellar hypoplasia type 6. Last evaluated: 2024-03-31. Review status: criteria provided, single submitter. Criteria: ACMG Guidelines, 2015. Collection method: clinical testing. Allele origin: germline.

Genetic Services Laboratory, University of Chicago
Classification: Likely pathogenic. Last evaluated: 2023-03-23. Review status: criteria provided, single submitter. Criteria: ACMG Guidelines, 2015. Collection method: clinical testing. Allele origin: germline. Affected: yes.
Comment: DNA sequence analysis of the RARS2 gene demonstrated a sequence change, c.944G>A, in exon 11 that results in an amino acid change, p.Arg315Gln. The p.Arg315Gln change affects a highly conserved amino acid residue located in a domain of the RARS2 protein that is known to be functional. The p.Arg315Gln substitution appears to be deleterious using several in-silico pathogenicity prediction tools (SIFT, PolyPhen2,CADD, REVEL). This particular amino acid change has been described in the literature in an individual with epilepsy along with a second splice site variant in the gene (PMID: 35231114). Another sequence change at the same amino acid residue (p.Arg315Pro) has been described in the homozygous state in an individual with cardiomyopathy with lactic acidosis (PMID: 33574353). This sequence change has been described in the gnomAD database with a frequency of 0.004% in the African subpopulation (dbSNP rs762613731). This sequence change likely pathogenic, however functional studies have not been performed to prove this conclusively.

Literature cited by the submitters: PubMed 35231114 (cited by Natera, Inc. and Labcorp Genetics (formerly Invitae), Labcorp).